The following is an entry in ClinVar:

NM_031307.4(PUS3):c.1249C>T (p.Arg417Cys)

Genes: HYLS1 (HYLS1 centriolar and ciliogenesis associated; plus strand), PUS3 (pseudouridine synthase 3; minus strand). Cytogenetic location: 11q24.2.
Variant type: single nucleotide variant.
Coding change: c.1249C>T on transcript NM_031307.4 (MANE Select); coding-DNA position 1249, C replaced by T.
Protein change: p.Arg417Cys; replaces arginine 417 with cysteine.
Molecular consequence: missense variant. On other transcripts: intron variant (5).
Genome position (GRCh38, 1-based): chr11:125,893,982, G>A on the plus strand (C>T on the coding strand, the complement: PUS3 is on the minus strand). VCF-style: chr11-125893982-G-A. GRCh37 (hg19) VCF-style: chr11-125763877-G-A.
Other names: c.1249C>T (NM_031307.3); c.625C>T, p.Arg209Cys (NM_001271985.2); c.-81+2510G>A (NM_145014.3); c.-26+2510G>A (NM_001134793.2); c.-23+2510G>A (NM_001424364.1); c.-25-5362G>A (NM_001377269.1); c.-22-5365G>A (NM_001377270.1); short protein forms R417C, R209C.
Identifiers: ClinVar variation 2176888 (VCV002176888.5), dbSNP rs767221951, ClinGen allele CA6350355.
Genomic context (GRCh38, chr11:125,893,982, plus strand): 5'-CAATTCGTCCCCTACGTACAAAATGCTGGATCCGGGATTCCAGTCCTTGGCATTTAGGAC[G>A]GTCCATGAGGGGCTTATATGTGCGCATCTTCACTCCTTCTACAAAGGCACTGGTCTGCTT-3'
Protein context (NP_112597.4, residues 407-427): KMRTYKPLMD[Arg417Cys]PKCQGLESRI

ClinVar aggregate classification (germline): Uncertain significance. Review status: criteria provided, multiple submitters, no conflicts (2 of 4 stars). 2 submissions from 2 submitters: Uncertain significance (2). Last evaluated 2024-10-20.

Conditions:
Inborn genetic diseases. Identifiers: MedGen C0950123, MeSH D030342.

Allele frequency attached by ClinVar (database versions not stated): gnomAD exomes 0.00001; gnomAD 0.00003; ExAC 0.00004.
gnomAD v4.1: 26 of 1,614,016 alleles (0.0016%); highest among the groups gnomAD compares: East Asian, 0.0067%; no homozygotes.

Submissions (2):

Ambry Genetics
Classification: Uncertain significance for Inborn genetic diseases. Last evaluated: 2024-10-20. Review status: criteria provided, single submitter. Criteria: Ambry Variant Classification Scheme 2023. Collection method: clinical testing. Allele origin: germline.

Labcorp Genetics (formerly Invitae), Labcorp
Classification: Uncertain significance. Last evaluated: 2022-03-20. Review status: criteria provided, single submitter. Criteria: Invitae Variant Classification Sherloc (09022015). Collection method: clinical testing. Allele origin: germline.
Comment: This variant has not been reported in the literature in individuals affected with PUS3-related conditions. This variant is present in population databases (rs767221951, gnomAD 0.02%). This sequence change replaces arginine, which is basic and polar, with cysteine, which is neutral and slightly polar, at codon 417 of the PUS3 protein (p.Arg417Cys). In summary, the available evidence is currently insufficient to determine the role of this variant in disease. Therefore, it has been classified as a Variant of Uncertain Significance. Algorithms developed to predict the effect of missense changes on protein structure and function (SIFT, PolyPhen-2, Align-GVGD) all suggest that this variant is likely to be disruptive.